The following is an entry in ClinVar:

NM_013266.4(CTNNA3):c.1739C>T (p.Pro580Leu)

Gene: CTNNA3 (catenin alpha 3; minus strand). Cytogenetic location: 10q21.3.
Variant type: single nucleotide variant.
Coding change: c.1739C>T on transcript NM_013266.4 (MANE Select); coding-DNA position 1739, C replaced by T.
Protein change: p.Pro580Leu; replaces proline 580 with leucine.
Molecular consequence: missense variant.
Genome position (GRCh38, 1-based): chr10:66,280,615, G>A on the plus strand (C>T on the coding strand, the complement: CTNNA3 is on the minus strand). VCF-style: chr10-66280615-G-A. GRCh37 (hg19) VCF-style: chr10-68040373-G-A.
Other names: c.1739C>T, p.Pro580Leu (NM_001127384.3); short protein forms P580L.
Identifiers: ClinVar variation 1011424 (VCV001011424.11), dbSNP rs368000502, ClinGen allele CA208991557.
Genomic context (GRCh38, chr10:66,280,615, plus strand): 5'-ACATTCAATGAGCTTTTGCTTAAGGCTTCCAAGGCAACATTCACTTGTGTTACAAATTCA[G>A]GAATTACTGTTAAAATAAAGAATAAGGAGAAGATTGTCCTCTTTGTATTTTTGGATTTAT-3'
Protein context (NP_037398.2, residues 570-590): NVNFLTSTVI[Pro580Leu]EFVTQVNVAL

ClinVar aggregate classification (germline): Uncertain significance. Review status: criteria provided, multiple submitters, no conflicts (2 of 4 stars). 2 submissions from 2 submitters: Uncertain significance (2). Last evaluated 2025-07-29.

Conditions:
Arrhythmogenic right ventricular dysplasia 13. Also called: ARRHYTHMOGENIC RIGHT VENTRICULAR CARDIOMYOPATHY 13; Arrhythmogenic right ventricular dysplasia, familial, 13. Identifiers: MedGen C3810138, MONDO:0000908, OMIM 615616.

Allele frequency attached by ClinVar (database versions not stated): gnomAD exomes below 0.00001 and 0.00001; gnomAD 0.00004 and 0.00005; TOPMed 0.00005; ESP Exome Variant Server 0.00008.
gnomAD v4.1: 11 of 1,602,706 alleles (0.00069%); highest among the groups gnomAD compares: African/African-American, 0.013%; no homozygotes.

Submissions (2):

Labcorp Genetics (formerly Invitae), Labcorp
Classification: Uncertain significance for Arrhythmogenic right ventricular dysplasia 13. Last evaluated: 2025-07-29. Review status: criteria provided, single submitter. Criteria: Invitae Variant Classification Sherloc (09022015). Collection method: clinical testing. Allele origin: germline.
Comment: This sequence change replaces proline, which is neutral and non-polar, with leucine, which is neutral and non-polar, at codon 580 of the CTNNA3 protein (p.Pro580Leu). This variant is present in population databases (rs368000502, gnomAD 0.01%). This variant has not been reported in the literature in individuals affected with CTNNA3-related conditions. ClinVar contains an entry for this variant (Variation ID: 1011424). Invitae Evidence Modeling of protein sequence and biophysical properties (such as structural, functional, and spatial information, amino acid conservation, physicochemical variation, residue mobility, and thermodynamic stability) indicates that this missense variant is not expected to disrupt CTNNA3 protein function with a negative predictive value of 80%. In summary, the available evidence is currently insufficient to determine the role of this variant in disease. Therefore, it has been classified as a Variant of Uncertain Significance.

Ambry Genetics
Classification: Uncertain significance. Last evaluated: 2025-01-26. Review status: criteria provided, single submitter. Criteria: Ambry Variant Classification Scheme 2023. Collection method: clinical testing. Allele origin: germline.